The following is an entry in ClinVar:

NM_000297.4(PKD2):c.128C>A (p.Pro43Gln)

Genes: PKD2 (polycystin 2, transient receptor potential cation channel; plus strand), LOC129992813 (ATAC-STARR-seq lymphoblastoid silent region 15559; plus strand). Cytogenetic location: 4q22.1.
Variant type: single nucleotide variant.
Coding change: c.128C>A on transcript NM_000297.4 (MANE Select); coding-DNA position 128, C replaced by A.
Protein change: p.Pro43Gln; replaces proline 43 with glutamine.
Molecular consequence: missense variant. On other transcripts: non-coding transcript variant (1).
Genome position (GRCh38, 1-based): chr4:88,007,861, C>A. VCF-style: chr4-88007861-C-A. GRCh37 (hg19) VCF-style: chr4-88929013-C-A.
Other names: short protein forms P43Q.
Identifiers: ClinVar variation 3899424 (VCV003899424.1).

ClinVar aggregate classification (germline): Uncertain significance (1 of 4 stars; one submission).

Submission:

GeneDx
Classification: Uncertain significance. Last evaluated: 2024-11-18. Review status: criteria provided, single submitter. Criteria: GeneDx Variant Classification Process June 2021. Collection method: clinical testing. Allele origin: germline. Affected: yes.
Comment: Not observed at significant frequency in large population cohorts (gnomAD); In silico analysis indicates that this missense variant does not alter protein structure/function; Has not been previously published as pathogenic or benign to our knowledge